The following is an entry in ClinVar:

NM_016373.4(WWOX):c.1115G>A (p.Gly372Glu)

Genes: MAF (MAF bZIP transcription factor; minus strand), WWOX (WW domain containing oxidoreductase; plus strand). Cytogenetic location: 16q23.2.
Variant type: single nucleotide variant.
Coding change: c.1115G>A on transcript NM_016373.4 (MANE Select); coding-DNA position 1115, G replaced by A.
Protein change: p.Gly372Glu; replaces glycine 372 with glutamic acid.
Molecular consequence: missense variant.
Genome position (GRCh38, 1-based): chr16:79,211,666, G>A. VCF-style: chr16-79211666-G-A. GRCh37 (hg19) VCF-style: chr16-79245563-G-A.
Other names: c.776G>A, p.Gly259Glu (NM_001291997.2); short protein forms G372E, G259E.
Identifiers: ClinVar variation 419331 (VCV000419331.12), dbSNP rs1064793798, ClinGen allele CA16620275.

ClinVar aggregate classification (germline): Uncertain significance. Review status: criteria provided, multiple submitters, no conflicts (2 of 4 stars). 3 submissions from 3 submitters: Uncertain significance (3). Last evaluated 2022-02-08.

Conditions:
Autosomal recessive spinocerebellar ataxia 12. Also called: SPINOCEREBELLAR ATAXIA WITH MENTAL RETARDATION AND EPILEPSY. Identifiers: Orphanet 284282, MedGen C3280452, MONDO:0013687, OMIM 614322.
Developmental and epileptic encephalopathy, 1 (DEE1). Also called: X-linked infantile spasms; West's syndrome; Tonic spasms with clustering, arrest of psychomotor development and hypsarrhythmia on EEG; X-Linked Infantile Spasm Syndrome; OHTAHARA SYNDROME, X-LINKED; INFANTILE SPASM SYNDROME, X-LINKED 1. Identifiers: MedGen C3463992, MONDO:0010632, OMIM 308350. Disease mechanism: loss of function.

gnomAD v4.1: 1 of 1,614,208 alleles (0.000062%); highest among the groups gnomAD compares: Non-Finnish European, 0.000085%; no homozygotes.

Submissions (3):

GeneDx
Classification: Uncertain significance. Last evaluated: 2022-02-08. Review status: criteria provided, single submitter. Criteria: GeneDx Variant Classification Process June 2021. Collection method: clinical testing. Allele origin: germline. Affected: yes.
Comment: Not observed at significant frequency in large population cohorts (gnomAD); In silico analysis supports that this missense variant has a deleterious effect on protein structure/function; Has not been previously published as pathogenic or benign to our knowledge

Labcorp Genetics (formerly Invitae), Labcorp
Classification: Uncertain significance for Developmental and epileptic encephalopathy, 1; Autosomal recessive spinocerebellar ataxia 12. Last evaluated: 2022-01-10. Review status: criteria provided, single submitter. Criteria: Invitae Variant Classification Sherloc (09022015). Collection method: clinical testing. Allele origin: germline.
Comment: This sequence change replaces glycine, which is neutral and non-polar, with glutamic acid, which is acidic and polar, at codon 372 of the WWOX protein (p.Gly372Glu). This variant is not present in population databases (gnomAD no frequency). This variant has not been reported in the literature in individuals affected with WWOX-related conditions. ClinVar contains an entry for this variant (Variation ID: 419331). Algorithms developed to predict the effect of missense changes on protein structure and function are either unavailable or do not agree on the potential impact of this missense change (SIFT: "Not Available"; PolyPhen-2: "Possibly Damaging"; Align-GVGD: "Not Available"). In summary, the available evidence is currently insufficient to determine the role of this variant in disease. Therefore, it has been classified as a Variant of Uncertain Significance.

Breakthrough Genomics
Classification: Uncertain significance. Review status: criteria provided, single submitter. Criteria: ACMG Guidelines, 2015. Collection method: not provided. Allele origin: germline. Inheritance: Autosomal recessive inheritance. Affected: yes.